The following is an entry in ClinVar:

NM_024675.4(PALB2):c.519G>C (p.Gly173=)

Gene: PALB2 (partner and localizer of BRCA2; minus strand). Cytogenetic location: 16p12.2.
Variant type: single nucleotide variant.
Coding change: c.519G>C on transcript NM_024675.4 (MANE Select); coding-DNA position 519, G replaced by C.
Protein change: p.Gly173=; no amino-acid change (glycine 173 retained).
Molecular consequence: synonymous variant. On other transcripts: 5 prime UTR variant (8), intron variant (3).
Genome position (GRCh38, 1-based): chr16:23,636,027, C>G on the plus strand (G>C on the coding strand, the complement: PALB2 is on the minus strand). VCF-style: chr16-23636027-C-G. GRCh37 (hg19) VCF-style: chr16-23647348-C-G.
Other names: c.459G>C, p.Gly153= (NM_001407296.1); c.519G>C, p.Gly173= (NM_001407297.1, NM_001407298.1, NM_001407299.1 and 3 more transcripts); c.-367G>C (NM_001407304.1, NM_001407305.1, NM_001407306.1 and 5 more transcripts); c.48+5083G>C (NM_001407314.1); c.-105+5083G>C (NM_001407313.1, NM_001407312.1).
Identifiers: ClinVar variation 3903911 (VCV003903911.1).

ClinVar aggregate classification (germline): Benign (1 of 4 stars; one submission).

Conditions:
Familial cancer of breast. Also called: Hereditary breast cancer; hereditary breast carcinoma; BREAST CANCER, FAMILIAL. Identifiers: Orphanet 227535, MedGen C0346153, MONDO:0016419, OMIM 114480. Disease mechanism: loss of function.

Submission:

Myriad Genetics, Inc.
Classification: Benign for Familial cancer of breast. Last evaluated: 2025-01-10. Review status: criteria provided, single submitter. Criteria: Myriad Autosomal Dominant, Autosomal Recessive and X-Linked Classification Criteria (2023). Collection method: clinical testing. Allele origin: unknown.
Comment: This variant is considered benign. This variant is a silent/synonymous amino acid change and it is not expected to impact splicing.